The following is an entry in ClinVar:

NM_001369.3(DNAH5):c.9480T>A (p.Cys3160Ter)

Gene: DNAH5 (dynein axonemal heavy chain 5; minus strand). Cytogenetic location: 5p15.2.
Variant type: single nucleotide variant.
Coding change: c.9480T>A on transcript NM_001369.3 (MANE Select); coding-DNA position 9480, T replaced by A.
Protein change: p.Cys3160Ter; replaces cysteine 3160 with a stop codon.
Molecular consequence: nonsense.
Genome position (GRCh38, 1-based): chr5:13,770,874, A>T on the plus strand (T>A on the coding strand, the complement: DNAH5 is on the minus strand). VCF-style: chr5-13770874-A-T. GRCh37 (hg19) VCF-style: chr5-13770983-A-T.
Other names: short protein forms C3160*.
Identifiers: ClinVar variation 652346 (VCV000652346.10), dbSNP rs764948792, ClinGen allele CA3202538.

ClinVar aggregate classification (germline): Pathogenic. Review status: criteria provided, multiple submitters, no conflicts (2 of 4 stars). 2 submissions from 2 submitters: Pathogenic (2). Last evaluated 2022-03-19.

Conditions:
Primary ciliary dyskinesia. Also called: Ciliary dyskinesia. Identifiers: Orphanet 244, MedGen C0008780, MONDO:0016575, HP:0012265.

Allele frequency attached by ClinVar (database versions not stated): gnomAD exomes below 0.00001; TOPMed below 0.00001; ExAC 0.00001.
gnomAD v4.1: 34 of 1,613,914 alleles (0.0021%); highest among the groups gnomAD compares: Non-Finnish European, 0.0029%; no homozygotes.

Submissions (2):

Labcorp Genetics (formerly Invitae), Labcorp
Classification: Pathogenic for Primary ciliary dyskinesia. Last evaluated: 2022-03-19. Review status: criteria provided, single submitter. Criteria: Invitae Variant Classification Sherloc (09022015). Collection method: clinical testing. Allele origin: germline.
Comment: For these reasons, this variant has been classified as Pathogenic. Algorithms developed to predict the effect of sequence changes on RNA splicing suggest that this variant may disrupt the consensus splice site. ClinVar contains an entry for this variant (Variation ID: 652346). This variant has not been reported in the literature in individuals affected with DNAH5-related conditions. This variant is present in population databases (rs764948792, gnomAD 0.0009%). This sequence change creates a premature translational stop signal (p.Cys3160*) in the DNAH5 gene. It is expected to result in an absent or disrupted protein product. Loss-of-function variants in DNAH5 are known to be pathogenic (PMID: 11788826, 16627867).

Ambry Genetics
Classification: Pathogenic for Primary ciliary dyskinesia. Last evaluated: 2016-06-01. Review status: criteria provided, single submitter. Criteria: Ambry Variant Classification Scheme 2023. Collection method: clinical testing. Allele origin: germline.
Comment: The p.C3160* pathogenic mutation (also known as c.9480T>A), located in coding exon 56 of the DNAH5 gene, results from a T to A substitution at nucleotide position 9480. This changes the amino acid from a cysteine to a stop codon within coding exon 56. Since premature stop codons are typically deleterious in nature, this alteration is interpreted as a disease-causing mutation (ACMG Recommendations for Standards for Interpretation and Reporting of Sequence Variations. Revision 2007. Genet Med. 2008;10:294).

Literature cited by the submitters: PubMed 11788826 (cited by Labcorp Genetics (formerly Invitae), Labcorp); PubMed 16627867 (cited by Labcorp Genetics (formerly Invitae), Labcorp).